The following is an entry in ClinVar:

ClinVar aggregate classification (germline): Conflicting classifications of pathogenicity. Review status: criteria provided, conflicting classifications (1 of 4 stars). 9 submissions from 8 submitters: Likely pathogenic (2); Uncertain significance (7). Last evaluated 2024-07-24.

Conditions:
RYR1-related disorder. Also called: RYR1-related condition; RYR1-related disorders. Identifiers: MedGen CN239331.
Central core myopathy (CMYO1A). Also called: Central core disease; Myopathy, central fibrillar; CONGENITAL MYOPATHY 1A, AUTOSOMAL DOMINANT, WITH SUSCEPTIBILITY TO MALIGNANT HYPERTHERMIA. Identifiers: Orphanet 597, MedGen C5830701, MONDO:0007294, OMIM 117000.
Congenital multicore myopathy with external ophthalmoplegia (CMYO1B). Also called: Minicore myopathy with external ophthalmoplegia; Congenital myopathy 1B, autosomal recessive; Minicore myopathy; MULTIMINICORE DISEASE WITH EXTERNAL OPHTHALMOPLEGIA; MULTICORE MYOPATHY. Identifiers: Orphanet 598, Orphanet 98905, MedGen C1850674, MONDO:0009712, OMIM 255320, HP:0003789.
Elevated circulating creatine kinase activity. Also called: Elevated serum creatine phosphokinase; Elevated circulating creatine kinase concentration; Elevated creatine kinase. Identifiers: MedGen C0241005, HP:0003236.
Myalgia. Identifiers: MedGen C0231528, HP:0003326.
Exercise-induced myalgia. Identifiers: MedGen C1850830, HP:0003738.
Malignant hyperthermia, susceptibility to, 1 (MHS1). Also called: Anesthesia related hyperthermia; Malignant hyperpyrexia; Fulminating hyperpyrexia; Pharmacogenic myopathy; RYR1-Related Malignant Hyperthermia Susceptibility; Malignant hyperthermia suceptibility 1. Identifiers: Orphanet 423, MedGen C2930980, MONDO:0007783, OMIM 145600.
Congenital myopathy with fiber type disproportion. Also called: Congenital fiber-type disproportion myopathy; Congenital fiber-type disproportion. Identifiers: Orphanet 2020, MedGen C0546264, MONDO:0009711. Inheritance: all.

Allele frequency attached by ClinVar (database versions not stated): gnomAD exomes 0.00001; TOPMed 0.00001; ExAC 0.00002; gnomAD 0.00002.
gnomAD v4.1: 12 of 1,599,322 alleles (0.00075%); highest among the groups gnomAD compares: Non-Finnish European, 0.00094%; no homozygotes.

Submissions (9):

3billion
Classification: Likely pathogenic for Congenital multicore myopathy with external ophthalmoplegia. Last evaluated: 2024-07-24. Review status: criteria provided, single submitter. Criteria: ACMG Guidelines, 2015. Collection method: clinical testing. Allele origin: germline. Affected: yes.
Comment: The variant is observed at an extremely low frequency in the gnomAD v4.0.0 dataset (total allele frequency: <0.001%). Predicted Consequence/Location: The variant is located in a mutational hot spot and/or well-established functional domain in which established pathogenic variants have been reported (PMID: 33767344). In silico tool predictions suggest damaging effect of the variant on gene or gene product [REVEL: 0.79 (>=0.6, sensitivity 0.68 and specificity 0.92); 3Cnet: 0.98 (>=0.6, sensitivity 0.72 and precision 0.9)]. The same nucleotide change resulting in the same amino acid change has been previously reported to be associated with RYR1-related disorder (ClinVar ID: VCV000523377 /PMID: 34008892). Therefore, this variant is classified as Likely pathogenic according to the recommendation of ACMG/AMP guideline.

All of Us Research Program, National Institutes of Health
Classification: Uncertain significance for Malignant hyperthermia, susceptibility to, 1. Last evaluated: 2024-06-09. Review status: criteria provided, single submitter. Criteria: ACMG Guidelines, 2015. Collection method: clinical testing. Allele origin: germline. Inheritance: Autosomal dominant inheritance. Observed: 7 variant alleles, 7 heterozygotes.
Comment: This missense variant replaces glycine with arginine at codon 422 of the RYR1 protein. Computational prediction suggests that this variant may have deleterious impact on protein structure and function (internally defined REVEL score threshold >= 0.7, PMID: 27666373). To our knowledge, functional studies have not been reported for this variant. This variant has not been reported in individuals affected with autosomal dominant malignant hyperthermia in the literature, although it is associated with other phenotype(s) (ClinVar Variation ID: 523377). This variant has been identified in 3/250644 chromosomes in the general population by the Genome Aggregation Database (gnomAD). The available evidence is insufficient to determine the role of this variant in disease conclusively. Therefore, this variant is classified as a Variant of Uncertain Significance.

This study involves interpretation of variants in research participants for the purpose of population health screening. Participant phenotype was not available at the time of variant classification. Additional details can be found in publication PMID: 35346344, PMCID: PMC8962531

Color Diagnostics, LLC DBA Color Health
Classification: Uncertain significance for Malignant hyperthermia, susceptibility to, 1. Last evaluated: 2024-05-17. Review status: criteria provided, single submitter. Criteria: ACMG Guidelines, 2015. Collection method: clinical testing. Allele origin: germline.
Comment: This missense variant replaces glycine with arginine at codon 422 of the RYR1 protein. Computational prediction is inconclusive regarding the impact of this variant on protein structure and function. To our knowledge, functional studies have not been reported for this variant. This variant has not been reported in individuals affected with autosomal dominant malignant hyperthermia in the literature, although it is associated with other phenotype(s) (ClinVar Variation ID: 523377). This variant has been identified in 3/250644 chromosomes in the general population by the Genome Aggregation Database (gnomAD). The available evidence is insufficient to determine the role of this variant in disease conclusively. Therefore, this variant is classified as a Variant of Uncertain Significance.

Labcorp Genetics (formerly Invitae), Labcorp
Classification: Uncertain significance for RYR1-related disorder. Last evaluated: 2023-11-07. Review status: criteria provided, single submitter. Criteria: Invitae Variant Classification Sherloc (09022015). Collection method: clinical testing. Allele origin: germline.
Comment: This sequence change replaces glycine, which is neutral and non-polar, with arginine, which is basic and polar, at codon 422 of the RYR1 protein (p.Gly422Arg). The frequency data for this variant in the population databases is considered unreliable, as metrics indicate poor data quality at this position in the gnomAD database. This missense change has been observed in individual(s) with clinical features of RYR1-related conditions (PMID: 34008892). ClinVar contains an entry for this variant (Variation ID: 523377). Advanced modeling of protein sequence and biophysical properties (such as structural, functional, and spatial information, amino acid conservation, physicochemical variation, residue mobility, and thermodynamic stability) has been performed at Invitae for this missense variant, however the output from this modeling did not meet the statistical confidence thresholds required to predict the impact of this variant on RYR1 protein function. In summary, the available evidence is currently insufficient to determine the role of this variant in disease. Therefore, it has been classified as a Variant of Uncertain Significance.

Laboratory of Medical Genetics, National & Kapodistrian University of Athens
Classification: Likely pathogenic for Central core myopathy. Last evaluated: 2021-10-01. Review status: criteria provided, single submitter. Criteria: ACMG Guidelines, 2015. Collection method: clinical testing. Allele origin: maternal. Affected: yes.
Comment: PM2, PM3, PP2, PP3

CeGaT Center for Human Genetics Tuebingen
Classification: Uncertain significance. Last evaluated: 2021-06-01. Review status: criteria provided, single submitter. Criteria: CeGaT Center For Human Genetics Tuebingen Variant Classification Criteria Version 2. Collection method: clinical testing. Allele origin: germline. Affected: yes. Observed: 1 variant allele.

Revvity Omics, Revvity
Classification: Uncertain significance. Last evaluated: 2021-05-19. Review status: criteria provided, single submitter. Criteria: ACMG Guidelines, 2015. Collection method: clinical testing. Allele origin: germline.

Centre for Mendelian Genomics, University Medical Centre Ljubljana
Classification: Uncertain significance for Congenital myopathy 4A, autosomal dominant. Last evaluated: 2019-03-18. Review status: criteria provided, single submitter. Criteria: ACMG Guidelines, 2015. Collection method: clinical testing. Allele origin: unknown. Affected: yes.
Comment: This variant was classified as: Uncertain significance. The available evidence on this variant's pathogenicity is insufficient or conflicting. The following ACMG criteria were applied in classifying this variant: PM2,PP3.

Centre for Mendelian Genomics, University Medical Centre Ljubljana
Classification: Uncertain significance for Elevated circulating creatine kinase activity; Exercise-induced myalgia; Myalgia. Last evaluated: 2017-01-01. Review status: criteria provided, single submitter. Criteria: ACMG Guidelines, 2015. Collection method: clinical testing. Allele origin: unknown. Affected: yes.

Literature cited by the submitters: PubMed 34008892 (cited by 3 submitters).

NM_000540.3(RYR1):c.1264G>A (p.Gly422Arg)

Gene: RYR1 (ryanodine receptor 1; plus strand). Cytogenetic location: 19q13.2.
Variant type: single nucleotide variant.
Coding change: c.1264G>A on transcript NM_000540.3 (MANE Select); coding-DNA position 1264, G replaced by A.
Protein change: p.Gly422Arg; replaces glycine 422 with arginine.
Molecular consequence: missense variant.
Genome position (GRCh38, 1-based): chr19:38,452,838, G>A. VCF-style: chr19-38452838-G-A. GRCh37 (hg19) VCF-style: chr19-38943478-G-A.
Other names: c.1264G>A, p.Gly422Arg (NM_001042723.2); short protein forms G422R.
Identifiers: ClinVar variation 523377 (VCV000523377.56), dbSNP rs757157750, ClinGen allele CA059313.